The following is an entry in ClinVar:

ClinVar aggregate classification (germline): Pathogenic (1 of 4 stars; one submission).

Submission:

Labcorp Genetics (formerly Invitae), Labcorp
Classification: Pathogenic. Last evaluated: 2024-02-06. Review status: criteria provided, single submitter. Criteria: Invitae Variant Classification Sherloc (09022015). Collection method: clinical testing. Allele origin: germline.
Comment: This sequence change creates a premature translational stop signal (p.Tyr405*) in the ANO6 gene. It is expected to result in an absent or disrupted protein product. Loss-of-function variants in ANO6 are known to be pathogenic (PMID: 21107324, 21511967, 27879994). This variant is not present in population databases (gnomAD no frequency). This variant has not been reported in the literature in individuals affected with ANO6-related conditions. Algorithms developed to predict the effect of sequence changes on RNA splicing suggest that this variant may disrupt the consensus splice site. For these reasons, this variant has been classified as Pathogenic.

Literature cited by the submitters: PubMed 21107324; PubMed 21511967; PubMed 27879994.

NM_001025356.3(ANO6):c.1215T>G (p.Tyr405Ter)

Gene: ANO6 (anoctamin 6; plus strand). Cytogenetic location: 12q12.
Variant type: single nucleotide variant.
Coding change: c.1215T>G on transcript NM_001025356.3 (MANE Select); coding-DNA position 1215, T replaced by G.
Protein change: p.Tyr405Ter; replaces tyrosine 405 with a stop codon.
Molecular consequence: nonsense.
Genome position (GRCh38, 1-based): chr12:45,388,210, T>G. VCF-style: chr12-45388210-T-G. GRCh37 (hg19) VCF-style: chr12-45781993-T-G.
Other names: c.1161T>G, p.Tyr387Ter (NM_001142678.2); c.1215T>G, p.Tyr405Ter (NM_001142679.2); c.1278T>G, p.Tyr426Ter (NM_001204803.2); c.1182T>G, p.Tyr394Ter (NM_001410973.1); short protein forms Y405*, Y387*, Y394*, Y426*.
Identifiers: ClinVar variation 3639166 (VCV003639166.2).